The following is an entry in ClinVar:

ClinVar aggregate classification (germline): Uncertain significance. Review status: criteria provided, multiple submitters, no conflicts (2 of 4 stars). 2 submissions from 2 submitters: Uncertain significance (2). Last evaluated 2025-12-22.

Conditions:
Cardiovascular phenotype. Identifiers: MedGen CN230736.
Legius syndrome. Identifiers: Orphanet 137605, MedGen C1969623, MONDO:0012669, OMIM 611431. Disease mechanism: loss of function.

Allele frequency attached by ClinVar (database versions not stated): gnomAD exomes below 0.00001.
gnomAD v4.1: 3 of 1,612,578 alleles (0.00019%); highest among the groups gnomAD compares: Non-Finnish European, 0.00025%; no homozygotes.

Submissions (2):

Ambry Genetics
Classification: Uncertain significance for Cardiovascular phenotype. Last evaluated: 2025-12-22. Review status: criteria provided, single submitter. Criteria: Ambry Variant Classification Scheme 2023. Collection method: clinical testing. Allele origin: germline.
Comment: The p.K218E variant (also known as c.652A>G), located in coding exon 6 of the SPRED1 gene, results from an A to G substitution at nucleotide position 652. The lysine at codon 218 is replaced by glutamic acid, an amino acid with similar properties. This amino acid position is conserved. In addition, the in silico prediction for this alteration is inconclusive. Based on the available evidence, the clinical significance of this variant remains unclear.

Labcorp Genetics (formerly Invitae), Labcorp
Classification: Uncertain significance for Legius syndrome. Last evaluated: 2023-02-18. Review status: criteria provided, single submitter. Criteria: Invitae Variant Classification Sherloc (09022015). Collection method: clinical testing. Allele origin: germline.
Comment: This sequence change replaces lysine, which is basic and polar, with glutamic acid, which is acidic and polar, at codon 218 of the SPRED1 protein (p.Lys218Glu). This variant is present in population databases (no rsID available, gnomAD 0.0009%). This variant has not been reported in the literature in individuals affected with SPRED1-related conditions. Advanced modeling of protein sequence and biophysical properties (such as structural, functional, and spatial information, amino acid conservation, physicochemical variation, residue mobility, and thermodynamic stability) performed at Invitae indicates that this missense variant is not expected to disrupt SPRED1 protein function. In summary, the available evidence is currently insufficient to determine the role of this variant in disease. Therefore, it has been classified as a Variant of Uncertain Significance.

NM_152594.3(SPRED1):c.652A>G (p.Lys218Glu)

Gene: SPRED1 (sprouty related EVH1 domain containing 1; plus strand). Cytogenetic location: 15q14.
Variant type: single nucleotide variant.
Coding change: c.652A>G on transcript NM_152594.3 (MANE Select); coding-DNA position 652, A replaced by G.
Protein change: p.Lys218Glu; replaces lysine 218 with glutamic acid.
Molecular consequence: missense variant.
Genome position (GRCh38, 1-based): chr15:38,349,491, A>G. VCF-style: chr15-38349491-A-G. GRCh37 (hg19) VCF-style: chr15-38641692-A-G.
Other names: c.652A>G (NM_152594.2); short protein forms K218E.
Identifiers: ClinVar variation 2835699 (VCV002835699.4), dbSNP rs1446412856, ClinGen allele CA391932919.